The following is an entry in ClinVar:

NM_000207.3(INS):c.188-3C>A

Genes: INS (insulin; minus strand), INS-IGF2 (INS-IGF2 readthrough; minus strand). Cytogenetic location: 11p15.5.
Variant type: single nucleotide variant.
Coding change: c.188-3C>A on transcript NM_000207.3 (MANE Select); 3 bases into the intron before coding-DNA position 188, C replaced by A.
Molecular consequence: intron variant.
Genome position (GRCh38, 1-based): chr11:2,160,000, G>T on the plus strand (C>A on the coding strand, the complement: INS is on the minus strand). VCF-style: chr11-2160000-G-T. GRCh37 (hg19) VCF-style: chr11-2181230-G-T.
Other names: c.187+785C>A (NM_001042376.3); c.188-3C>A (NM_001185097.2, NM_001291897.2, NM_001185098.2).
Identifiers: ClinVar variation 304053 (VCV000304053.6), dbSNP rs886048111, ClinGen allele CA10634377.
Genomic context (GRCh38, chr11:2,160,000, plus strand): 5'-AGGGCCAAGGGCTGCAGGCTGCCTGCACCAGGGCCCCCGCCCAGCTCCACCTGCCCCACT[G>T]CCAGGACGTGCCGCGCAGAGCAGGTTCCGGAACAGCGGCGAGGCAGAGGGACACAGGAGG-3'

ClinVar aggregate classification (germline): Conflicting classifications of pathogenicity. Review status: criteria provided, conflicting classifications (1 of 4 stars). 3 submissions from 2 submitters: Likely risk allele (1); Uncertain significance (2). Last evaluated 2018-01-12.

Conditions:
Transient Neonatal Diabetes, Dominant/Recessive.
Neonatal insulin-dependent diabetes mellitus. Identifiers: MedGen C3278636, HP:0000857.
Maturity-onset diabetes of the young type 10. Identifiers: Orphanet 552, MedGen C3150617, MONDO:0013240, OMIM 613370.

Submissions (3):

Illumina Laboratory Services, Illumina
Classification: Uncertain significance for Maturity-onset diabetes of the young type 10. Last evaluated: 2018-01-12. Review status: criteria provided, single submitter. Criteria: ICSL Variant Classification Criteria 13 December 2019. Collection method: clinical testing. Allele origin: germline.

Illumina Laboratory Services, Illumina
Classification: Uncertain significance for Transient Neonatal Diabetes, Dominant/Recessive. Last evaluated: 2018-01-12. Review status: criteria provided, single submitter. Criteria: ICSL Variant Classification Criteria 13 December 2019. Collection method: clinical testing. Allele origin: germline.

Clinical Genomics, Uppaluri K&H Personalized Medicine Clinic
Classification: Likely risk allele for Neonatal insulin-dependent diabetes mellitus. Review status: criteria provided, single submitter. Criteria: K & H Uppaluri Personalized Medicine Clinic Variant Classification & Assertion Criteria_Updated V.1. Collection method: research. Allele origin: unknown.
Comment: Mutations in INS gene can cause early onset diabetes mellitus which is insulin dependent. May have poor response to sulfonylureas, as this mutation can cause beta cell destruction. However no sufficient evidence is found to ascertain the role of this particular variant rs886048111, yet.

Literature cited by the submitters: PubMed 11921414 (cited by Clinical Genomics, Uppaluri K&H Personalized Medicine Clinic); PubMed 25542748 (cited by Clinical Genomics, Uppaluri K&H Personalized Medicine Clinic); PubMed 26101329 (cited by Clinical Genomics, Uppaluri K&H Personalized Medicine Clinic); PubMed 18171712 (cited by Clinical Genomics, Uppaluri K&H Personalized Medicine Clinic).